The following is an entry in ClinVar:

ClinVar aggregate classification (germline): Uncertain significance (1 of 4 stars; one submission).

gnomAD v4.1: 124 of 1,613,914 alleles (0.0077%); highest among the groups gnomAD compares: Middle Eastern, 0.21%; no homozygotes.

Submission:

Dasa
Classification: Uncertain significance. Last evaluated: 2024-11-23. Review status: criteria provided, single submitter. Criteria: DASA Assertion Criteria. Collection method: clinical testing. Allele origin: germline.
Comment: NM_002532.6(NUP88):c.772G>A (p.Gly258Ser) is a missense variant that results in the substitution of glycine with serine. This variant is rare in population databases. Computational prediction algorithms are consistent with a benign effect. The currently available literature and clinical evidence are not sufficient to establish a definitive association between this variant and the reported condition. Therefore, this variant is classified as a variant of uncertain significance.

NM_002532.6(NUP88):c.772G>A (p.Gly258Ser)

Gene: NUP88 (nucleoporin 88; minus strand). Cytogenetic location: 17p13.2.
Variant type: single nucleotide variant.
Coding change: c.772G>A on transcript NM_002532.6 (MANE Select); coding-DNA position 772, G replaced by A.
Protein change: p.Gly258Ser; replaces glycine 258 with serine.
Molecular consequence: missense variant.
Genome position (GRCh38, 1-based): chr17:5,408,818, C>T on the plus strand (G>A on the coding strand, the complement: NUP88 is on the minus strand). VCF-style: chr17-5408818-C-T. GRCh37 (hg19) VCF-style: chr17-5312138-C-T.
Other names: c.772G>A, p.Gly258Ser (NM_001320653.2); short protein forms G258S.
Identifiers: ClinVar variation 4886013 (VCV004886013.2), dbSNP rs765446884.